The following is an entry in ClinVar:

NM_000433.4(NCF2):c.574C>T (p.Gln192Ter)

Gene: NCF2 (neutrophil cytosolic factor 2; minus strand). Cytogenetic location: 1q25.3.
Variant type: single nucleotide variant.
Coding change: c.574C>T on transcript NM_000433.4 (MANE Select); coding-DNA position 574, C replaced by T.
Protein change: p.Gln192Ter; replaces glutamine 192 with a stop codon.
Molecular consequence: nonsense. On other transcripts: intron variant (1).
Genome position (GRCh38, 1-based): chr1:183,573,220, G>A on the plus strand (C>T on the coding strand, the complement: NCF2 is on the minus strand). VCF-style: chr1-183573220-G-A. GRCh37 (hg19) VCF-style: chr1-183542355-G-A.
Other names: c.574C>T, p.Gln192Ter (NM_001127651.3); c.439C>T, p.Gln147Ter (NM_001190794.2); c.367-2381C>T (NM_001190789.2); short protein forms Q147*, Q192*.
Identifiers: ClinVar variation 2202894 (VCV002202894.7), dbSNP rs764314608, ClinGen allele CA343675966.

ClinVar aggregate classification (germline): Pathogenic. Review status: criteria provided, multiple submitters, no conflicts (2 of 4 stars). 3 submissions from 3 submitters: Pathogenic (3). Last evaluated 2024-06-05.

Conditions:
Granulomatous disease, chronic, autosomal recessive, cytochrome b-positive, type 2. Also called: GRANULOMATOUS DISEASE, CHRONIC, AUTOSOMAL RECESSIVE, 2; Chronic Granulomatous Disease, Autosomal Recessive, Cytochrome b-Positive, Type II; GRANULOMATOUS DISEASE, CHRONIC, DUE TO NCF2 DEFICIENCY; CGD, AUTOSOMAL RECESSIVE CYTOCHROME b-POSITIVE, TYPE II; Chronic granulomatous disease due to deficiency of NCF-2. Identifiers: Orphanet 379, MedGen C1856245, MONDO:0009310, OMIM 233710.

Allele frequency attached by ClinVar (database versions not stated): TOPMed below 0.00001.

Submissions (3):

3billion
Classification: Pathogenic for Granulomatous disease, chronic, autosomal recessive, cytochrome b-positive, type 2. Last evaluated: 2024-06-05. Review status: criteria provided, single submitter. Criteria: ACMG Guidelines, 2015. Collection method: clinical testing. Allele origin: germline. Affected: yes.
Comment: The variant is not observed in the gnomAD v4.0.0 dataset. Predicted Consequence/Location: Stop-gained (nonsense): predicted to result in a loss or disruption of normal protein function through nonsense-mediated decay (NMD) or protein truncation. Multiple pathogenic variants are reported downstream of the variant. The variant has been reported at least twice as pathogenic with clinical assertions and evidence for the classification (ClinVar ID: VCV002202894 /PMID: 19683193). Therefore, this variant is classified as Pathogenic according to the recommendation of ACMG/AMP guideline.

Genomic Medicine Center of Excellence, King Faisal Specialist Hospital and Research Centre
Classification: Pathogenic for Granulomatous disease, chronic, autosomal recessive, cytochrome b-positive, type 2. Last evaluated: 2024-03-14. Review status: criteria provided, single submitter. Criteria: ACMG Guidelines, 2015. Collection method: research. Allele origin: germline.

Labcorp Genetics (formerly Invitae), Labcorp
Classification: Pathogenic for Granulomatous disease, chronic, autosomal recessive, cytochrome b-positive, type 2. Last evaluated: 2022-10-20. Review status: criteria provided, single submitter. Criteria: Invitae Variant Classification Sherloc (09022015). Collection method: clinical testing. Allele origin: germline.
Comment: This sequence change creates a premature translational stop signal (p.Gln192*) in the NCF2 gene. It is expected to result in an absent or disrupted protein product. Loss-of-function variants in NCF2 are known to be pathogenic (PMID: 10498624, 20167518). This variant is not present in population databases (gnomAD no frequency). This premature translational stop signal has been observed in individual(s) with chronic granulomatous disease (PMID: 19683193). For these reasons, this variant has been classified as Pathogenic.

Literature cited by the submitters: PubMed 19683193 (cited by 3billion and Labcorp Genetics (formerly Invitae), Labcorp); PubMed 10498624 (cited by Labcorp Genetics (formerly Invitae), Labcorp); PubMed 20167518 (cited by Labcorp Genetics (formerly Invitae), Labcorp).